The following is an entry in ClinVar:

NM_018062.4(FANCL):c.223C>T (p.Gln75Ter)

Gene: FANCL (FA complementation group L; minus strand). Cytogenetic location: 2p16.1.
Variant type: single nucleotide variant.
Coding change: c.223C>T on transcript NM_018062.4 (MANE Select); coding-DNA position 223, C replaced by T.
Protein change: p.Gln75Ter; replaces glutamine 75 with a stop codon.
Molecular consequence: nonsense.
Genome position (GRCh38, 1-based): chr2:58,226,778, G>A on the plus strand (C>T on the coding strand, the complement: FANCL is on the minus strand). VCF-style: chr2-58226778-G-A. GRCh37 (hg19) VCF-style: chr2-58453913-G-A.
Other names: c.223C>T, p.Gln75Ter (NM_001114636.2, NM_001374615.1, NM_001410792.1); short protein forms Q75*.
Identifiers: ClinVar variation 1704583 (VCV001704583.7), dbSNP rs1693048371, ClinGen allele CA347034716.

ClinVar aggregate classification (germline): Pathogenic/Likely pathogenic. Review status: criteria provided, multiple submitters, no conflicts (2 of 4 stars). 4 submissions from 4 submitters: Pathogenic (1); Likely pathogenic (3). Last evaluated 2024-05-09.

Conditions:
Fanconi anemia complementation group L (FANCL). Also called: FANCL-Related Fanconi Anemia. Identifiers: Orphanet 84, MedGen C3469528, MONDO:0013566, OMIM 614083.
Fanconi anemia (FA). Also called: Fanconi's anemia. Identifiers: Orphanet 84, MedGen C0015625, MeSH D005199, MONDO:0019391.

Allele frequency attached by ClinVar (database versions not stated): gnomAD exomes below 0.00001; TOPMed 0.00001.
gnomAD v4.1: 2 of 1,611,826 alleles (0.00012%); highest among the groups gnomAD compares: Non-Finnish European, 0.000085%; no homozygotes.

Submissions (4):

Fulgent Genetics
Classification: Likely pathogenic for Fanconi anemia complementation group L. Last evaluated: 2024-05-09. Review status: criteria provided, single submitter. Criteria: ACMG Guidelines, 2015. Collection method: clinical testing. Allele origin: germline.

Baylor Genetics
Classification: Likely pathogenic for Fanconi anemia complementation group L. Last evaluated: 2024-03-11. Review status: criteria provided, single submitter. Criteria: ACMG Guidelines, 2015. Collection method: clinical testing. Allele origin: unknown.

Labcorp Genetics (formerly Invitae), Labcorp
Classification: Pathogenic for Fanconi anemia. Last evaluated: 2023-10-18. Review status: criteria provided, single submitter. Criteria: Invitae Variant Classification Sherloc (09022015). Collection method: clinical testing. Allele origin: germline.
Comment: This sequence change creates a premature translational stop signal (p.Gln75*) in the FANCL gene. It is expected to result in an absent or disrupted protein product. Loss-of-function variants in FANCL are known to be pathogenic (PMID: 19405097, 23613520). This variant is not present in population databases (gnomAD no frequency). This variant has not been reported in the literature in individuals affected with FANCL-related conditions. ClinVar contains an entry for this variant (Variation ID: 1704583). Algorithms developed to predict the effect of sequence changes on RNA splicing suggest that this variant may disrupt the consensus splice site. For these reasons, this variant has been classified as Pathogenic.

Women's Health and Genetics/Laboratory Corporation of America, LabCorp
Classification: Likely pathogenic for Fanconi anemia. Last evaluated: 2022-07-15. Review status: criteria provided, single submitter. Criteria: LabCorp Variant Classification Summary - May 2015. Collection method: clinical testing. Allele origin: germline.
Comment: Variant summary: FANCL c.223C>T (p.Gln75X) results in a premature termination codon, predicted to cause a truncation of the encoded protein or absence of the protein due to nonsense mediated decay, which are commonly known mechanisms for disease. Truncations downstream of this position have been classified as pathogenic in ClinVar (e.g. c.739_740dup (p.Met247fs), c.296_297del (p.Gln99fs)). The variant was absent in 251050 control chromosomes (gnomAD). Although c.223C>T has not been reported in the literature in individuals affected with Fanconi Anemia, it has been found in a setting of multigene panel testing in at least one individual with breast cancer (e.g. Tedaldi_2017). These report(s) do not provide unequivocal conclusions about association of the variant with Fanconi Anemia. To our knowledge, no experimental evidence demonstrating an impact on protein function has been reported. No clinical diagnostic laboratories have submitted clinical-significance assessments for this variant to ClinVar after 2014. Based on the evidence outlined above, the variant was classified as likely pathogenic.

Literature cited by the submitters: PubMed 19405097 (cited by Labcorp Genetics (formerly Invitae), Labcorp); PubMed 23613520 (cited by Labcorp Genetics (formerly Invitae), Labcorp); PubMed 28423363 (cited by Women's Health and Genetics/Laboratory Corporation of America, LabCorp).